The following is an entry in ClinVar:

NM_182643.3(DLC1):c.3740+16G>T

Gene: DLC1 (DLC1 Rho GTPase activating protein; minus strand). Cytogenetic location: 8p22.
Variant type: single nucleotide variant.
Coding change: c.3740+16G>T on transcript NM_182643.3 (MANE Select); 16 bases into the intron after coding-DNA position 3740, G replaced by T.
Molecular consequence: intron variant.
Genome position (GRCh38, 1-based): chr8:13,092,596, C>A on the plus strand (G>T on the coding strand, the complement: DLC1 is on the minus strand). VCF-style: chr8-13092596-C-A. GRCh37 (hg19) VCF-style: chr8-12950105-C-A.
Other names: c.2207+16G>T (NM_001348082.2, NM_001413126.1, NM_001413127.1 and 6 more transcripts); c.3740+16G>T (NM_001348081.2, NM_001413124.1); c.2180+16G>T (NM_001413131.1, NM_001413137.1); c.2531+16G>T (NM_001413129.1, NM_001316668.2); c.2666+16G>T (NM_001413132.1); c.2522+16G>T (NM_001413130.1); c.2429+16G>T (NM_001413136.1, NM_001413139.1, NM_001413135.1 and 1 more transcripts); c.2564+16G>T (NM_001413140.1).
Identifiers: ClinVar variation 2868646 (VCV002868646.3), dbSNP rs372133295, ClinGen allele CA4638216.

ClinVar aggregate classification (germline): Uncertain significance (1 of 4 stars; one submission).

Allele frequency attached by ClinVar (database versions not stated): ExAC 0.00002; gnomAD 0.00003; ESP Exome Variant Server 0.00008.
gnomAD v4.1: 8 of 1,612,560 alleles (0.0005%); highest among the groups gnomAD compares: African/African-American, 0.0093%; no homozygotes.

Submission:

Labcorp Genetics (formerly Invitae), Labcorp
Classification: Uncertain significance. Last evaluated: 2024-02-21. Review status: criteria provided, single submitter. Criteria: Invitae Variant Classification Sherloc (09022015). Collection method: clinical testing. Allele origin: germline.
Comment: This sequence change falls in intron 13 of the DLC1 gene. It does not directly change the encoded amino acid sequence of the DLC1 protein. This variant is present in population databases (rs372133295, gnomAD 0.008%). This variant has not been reported in the literature in individuals affected with DLC1-related conditions. Algorithms developed to predict the effect of sequence changes on RNA splicing suggest that this variant may create or strengthen a splice site. In summary, the available evidence is currently insufficient to determine the role of this variant in disease. Therefore, it has been classified as a Variant of Uncertain Significance.